The following is an entry in ClinVar:

NM_182961.4(SYNE1):c.13172G>C (p.Cys4391Ser)

Gene: SYNE1 (spectrin repeat containing nuclear envelope protein 1; minus strand). Cytogenetic location: 6q25.2.
Variant type: single nucleotide variant.
Coding change: c.13172G>C on transcript NM_182961.4 (MANE Select); coding-DNA position 13172, G replaced by C.
Protein change: p.Cys4391Ser; replaces cysteine 4391 with serine.
Molecular consequence: missense variant.
Genome position (GRCh38, 1-based): chr6:152,331,513, C>G on the plus strand (G>C on the coding strand, the complement: SYNE1 is on the minus strand). VCF-style: chr6-152331513-C-G. GRCh37 (hg19) VCF-style: chr6-152652648-C-G.
Other names: c.12959G>C, p.Cys4320Ser (NM_033071.5); short protein forms C4320S, C4391S.
Identifiers: ClinVar variation 3764037 (VCV003764037.2).

ClinVar aggregate classification (germline): Uncertain significance (1 of 4 stars; one submission).

Conditions:
Emery-Dreifuss muscular dystrophy 4, autosomal dominant (EDMD4). Also called: EMERY-DREIFUSS MUSCULAR DYSTROPHY 4 WITH VARIABLE FEATURES. Identifiers: Orphanet 261, MedGen C2751807, MONDO:0013071, OMIM 612998.
Autosomal recessive ataxia, Beauce type. Also called: SYNE1 Deficiency; Spinocerebellar ataxia, autosomal recessive 8; ATAXIA, RECESSIVE, OF BEAUCE; SYNE1-Related Autosomal Recessive Cerebellar Ataxia. Identifiers: Orphanet 88644, MedGen C1853116, MONDO:0012549, OMIM 610743.

Submission:

Labcorp Genetics (formerly Invitae), Labcorp
Classification: Uncertain significance for Emery-Dreifuss muscular dystrophy 4, autosomal dominant; Autosomal recessive ataxia, Beauce type. Last evaluated: 2024-09-18. Review status: criteria provided, single submitter. Criteria: Invitae Variant Classification Sherloc (09022015). Collection method: clinical testing. Allele origin: germline.
Comment: This sequence change replaces cysteine, which is neutral and slightly polar, with serine, which is neutral and polar, at codon 4320 of the SYNE1 protein (p.Cys4320Ser). This variant is not present in population databases (gnomAD no frequency). This variant has not been reported in the literature in individuals affected with SYNE1-related conditions. An algorithm developed to predict the effect of missense changes on protein structure and function (PolyPhen-2) suggests that this variant is likely to be disruptive. In summary, the available evidence is currently insufficient to determine the role of this variant in disease. Therefore, it has been classified as a Variant of Uncertain Significance.